The following is an entry in ClinVar:

ClinVar aggregate classification (germline): Uncertain significance (1 of 4 stars; one submission).

Conditions:
Familial thoracic aortic aneurysm and aortic dissection (TAAD). Also called: Thoracic aortic aneurysms and dissections. Identifiers: Orphanet 91387, MedGen C4707243, MONDO:0019625.

gnomAD v4.1: 1 of 1,612,882 alleles (0.000062%); highest among the groups gnomAD compares: South Asian, 0.0011%; no homozygotes.

Submission:

Ambry Genetics
Classification: Uncertain significance for Familial thoracic aortic aneurysm and aortic dissection. Last evaluated: 2025-02-13. Review status: criteria provided, single submitter. Criteria: Ambry Variant Classification Scheme 2023. Collection method: clinical testing. Allele origin: germline.
Comment: The p.T790N variant (also known as c.2369C>A), located in coding exon 15 of the NOTCH1 gene, results from a C to A substitution at nucleotide position 2369. The threonine at codon 790 is replaced by asparagine, an amino acid with similar properties. This amino acid position is conserved. In addition, the in silico prediction for this alteration is inconclusive. Based on the available evidence, the clinical significance of this variant remains unclear.

NM_017617.5(NOTCH1):c.2369C>A (p.Thr790Asn)

Gene: NOTCH1 (notch receptor 1; minus strand). Cytogenetic location: 9q34.3.
Variant type: single nucleotide variant.
Coding change: c.2369C>A on transcript NM_017617.5 (MANE Select); coding-DNA position 2369, C replaced by A.
Protein change: p.Thr790Asn; replaces threonine 790 with asparagine.
Molecular consequence: missense variant.
Genome position (GRCh38, 1-based): chr9:136,513,119, G>T on the plus strand (C>A on the coding strand, the complement: NOTCH1 is on the minus strand). VCF-style: chr9-136513119-G-T. GRCh37 (hg19) VCF-style: chr9-139407571-G-T.
Other names: short protein forms T790N.
Identifiers: ClinVar variation 3880491 (VCV003880491.1).